The following is an entry in ClinVar:

NM_000540.3(RYR1):c.13197G>T (p.Pro4399=)

Gene: RYR1 (ryanodine receptor 1; plus strand). Cytogenetic location: 19q13.2.
Variant type: single nucleotide variant.
Coding change: c.13197G>T on transcript NM_000540.3 (MANE Select); coding-DNA position 13197, G replaced by T.
Protein change: p.Pro4399=; no amino-acid change (proline 4399 retained).
Molecular consequence: synonymous variant.
Genome position (GRCh38, 1-based): chr19:38,565,531, G>T. VCF-style: chr19-38565531-G-T. GRCh37 (hg19) VCF-style: chr19-39056171-G-T.
Other names: c.13182G>T, p.Pro4394= (NM_001042723.2).
Identifiers: ClinVar variation 478180 (VCV000478180.38), dbSNP rs773923211, ClinGen allele CA059632.

ClinVar aggregate classification (germline): Likely benign. Review status: criteria provided, multiple submitters, no conflicts (2 of 4 stars). 5 submissions from 5 submitters: Likely benign (4). 1 of the submissions does not count toward it. Last evaluated 2026-07-01.

Conditions:
RYR1-related disorder. Also called: RYR1-related disorders; RYR1-related condition. Identifiers: MedGen CN239331.

Allele frequency attached by ClinVar (database versions not stated): ExAC below 0.00001; gnomAD 0.00003; TOPMed 0.00007; gnomAD exomes 0.00046.
gnomAD v4.1: 81 of 1,502,802 alleles (0.0054%); highest among the groups gnomAD compares: Admixed American, 0.12%; no homozygotes.

Submissions (5):

CeGaT Center for Human Genetics Tuebingen
Classification: Likely benign. Last evaluated: 2026-07-01. Review status: criteria provided, single submitter. Criteria: CeGaT Center For Human Genetics Tuebingen Variant Classification Criteria Version 2. Collection method: clinical testing. Allele origin: germline. Affected: yes. Observed: 2 variant alleles.
Comment: RYR1: BP4, BP7

Labcorp Genetics (formerly Invitae), Labcorp
Classification: Likely benign for RYR1-related disorder. Last evaluated: 2026-01-19. Review status: criteria provided, single submitter. Criteria: Invitae Variant Classification Sherloc (09022015). Collection method: clinical testing. Allele origin: germline.

GeneDx
Classification: Likely benign. Last evaluated: 2019-06-29. Review status: criteria provided, single submitter. Criteria: GeneDx Variant Classification Process June 2021. Collection method: clinical testing. Allele origin: germline. Affected: yes.

Breakthrough Genomics
Classification: Likely benign. Review status: criteria provided, single submitter. Criteria: ACMG Guidelines, 2015. Collection method: not provided. Allele origin: germline. Inheritance: Autosomal recessive inheritance. Affected: yes.

PreventionGenetics, part of Exact Sciences
Classification: Likely benign for RYR1-related condition. Last evaluated: 2020-02-25. Review status: no assertion criteria provided. Collection method: clinical testing. Allele origin: germline. Not counted in ClinVar's aggregate classification.
Comment: This variant is classified as likely benign based on ACMG/AMP sequence variant interpretation guidelines (Richards et al. 2015 PMID: 25741868, with internal and published modifications).